The following is an entry in ClinVar:

ClinVar aggregate classification (germline): Likely pathogenic. Review status: criteria provided, single submitter (1 of 4 stars). 2 submissions from 2 submitters: Likely pathogenic (1). 1 of the submissions does not count toward it. Last evaluated 2023-07-17.

Conditions:
X-linked myopathy with postural muscle atrophy. Also called: FHL1-Related Emery-Dreifuss Muscular Dystrophy, X-Linked. Identifiers: Orphanet 178461, MedGen C2678055, MONDO:0010401, OMIM 300696.
Myopathy, reducing body, X-linked, childhood-onset (RBMX1B). Also called: REDUCING BODY MYOPATHY, X-LINKED 1B, WITH LATE CHILDHOOD OR ADULT ONSET. Identifiers: Orphanet 97239, MedGen C4225159, MONDO:0010415, OMIM 300718.

Submissions (2):

Labcorp Genetics (formerly Invitae), Labcorp
Classification: Likely pathogenic for X-linked myopathy with postural muscle atrophy. Last evaluated: 2023-07-17. Review status: criteria provided, single submitter. Criteria: Invitae Variant Classification Sherloc (09022015). Collection method: clinical testing. Allele origin: germline.
Comment: This sequence change replaces cysteine, which is neutral and slightly polar, with tyrosine, which is neutral and polar, at codon 153 of the FHL1 protein (p.Cys153Tyr). This variant is not present in population databases (gnomAD no frequency). In summary, the currently available evidence indicates that the variant is pathogenic, but additional data are needed to prove that conclusively. Therefore, this variant has been classified as Likely Pathogenic. This variant disrupts the p.Cys153 amino acid residue in FHL1. Other variant(s) that disrupt this residue have been determined to be pathogenic (PMID: 18274675, 23965743). This suggests that this residue is clinically significant, and that variants that disrupt this residue are likely to be disease-causing. Experimental studies have shown that this missense change affects FHL1 function (PMID: 24634512). An algorithm developed to predict the effect of missense changes on protein structure and function (PolyPhen-2) suggests that this variant is likely to be disruptive. ClinVar contains an entry for this variant (Variation ID: 11553). This missense change has been observed in individuals with X-linked dominant FHL1-related conditions (PMID: 18274675, 26627873; Invitae).

OMIM
Classification: Pathogenic for REDUCING BODY MYOPATHY, X-LINKED 1B, WITH LATE CHILDHOOD ONSET. Last evaluated: 2008-03-01. Review status: no assertion criteria provided. Collection method: literature only. Allele origin: germline. Not counted in ClinVar's aggregate classification.

Literature cited by the submitters: PubMed 18274675 (cited by Labcorp Genetics (formerly Invitae), Labcorp and OMIM); PubMed 23965743 (cited by Labcorp Genetics (formerly Invitae), Labcorp); PubMed 24634512 (cited by Labcorp Genetics (formerly Invitae), Labcorp); PubMed 26627873 (cited by Labcorp Genetics (formerly Invitae), Labcorp).

NM_001159699.2(FHL1):c.506G>A (p.Cys169Tyr)

Gene: FHL1 (four and a half LIM domains 1; plus strand). Cytogenetic location: Xq26.3.
Variant type: single nucleotide variant.
Coding change: c.506G>A on transcript NM_001159699.2 (MANE Select); coding-DNA position 506, G replaced by A.
Protein change: p.Cys169Tyr; replaces cysteine 169 with tyrosine.
Molecular consequence: missense variant. On other transcripts: non-coding transcript variant (1).
Genome position (GRCh38, 1-based): chrX:136,207,918, G>A. VCF-style: chrX-136207918-G-A. GRCh37 (hg19) VCF-style: chrX-135290077-G-A.
Other names: c.458G>A, p.Cys153Tyr (NM_001159700.2, NM_001159702.3, NM_001159703.2 and 9 more transcripts); c.545G>A, p.Cys182Tyr (NM_001159701.2); c.506G>A, p.Cys169Tyr (NM_001330659.2); short protein forms C153Y, C169Y, C182Y.
Identifiers: ClinVar variation 11553 (VCV000011553.5), dbSNP rs122458145, ClinGen allele CA121550.